The following is an entry in ClinVar:

ClinVar aggregate classification (germline): Conflicting classifications of pathogenicity. Review status: criteria provided, conflicting classifications (1 of 4 stars). 4 submissions from 4 submitters: Uncertain significance (3); Likely benign (1). Last evaluated 2026-01-12.

Conditions:
Inborn genetic diseases. Identifiers: MedGen C0950123, MeSH D030342.
Meckel-Gruber syndrome. Also called: Dysencephalia splachnocystica; DYSENCEPHALIA SPLANCHNOCYSTICA; GRUBER SYNDROME. Identifiers: Orphanet 564, MedGen C0265215, MONDO:0018921.
Joubert syndrome. Also called: JOUBERT-BOLTSHAUSER SYNDROME; Familial aplasia of the vermis. Identifiers: Orphanet 475, MedGen C5979921, MONDO:0018772.
CC2D2A-related disorder. Also called: CC2D2A-related condition; CC2D2A-related disorders. Identifiers: MedGen CN239313.

Allele frequency attached by ClinVar (database versions not stated): TOPMed 0.00002; gnomAD 0.00008 and 0.00009; gnomAD exomes 0.00008 and 0.00017; ExAC 0.00017.
gnomAD v4.1: 139 of 1,612,184 alleles (0.0086%); highest among the groups gnomAD compares: South Asian, 0.046%; 1 homozygote.

Submissions (4):

Labcorp Genetics (formerly Invitae), Labcorp
Classification: Likely benign for Joubert syndrome; Meckel-Gruber syndrome. Last evaluated: 2026-01-12. Review status: criteria provided, single submitter. Criteria: Invitae Variant Classification Sherloc (09022015). Collection method: clinical testing. Allele origin: germline.

GeneDx
Classification: Uncertain significance. Last evaluated: 2024-09-17. Review status: criteria provided, single submitter. Criteria: GeneDx Variant Classification Process June 2021. Collection method: clinical testing. Allele origin: germline. Affected: yes.
Comment: In silico analysis indicates that this missense variant does not alter protein structure/function; Has not been previously published as pathogenic or benign to our knowledge

Ambry Genetics
Classification: Uncertain significance for Inborn genetic diseases. Last evaluated: 2024-06-26. Review status: criteria provided, single submitter. Criteria: Ambry Variant Classification Scheme 2023. Collection method: clinical testing. Allele origin: germline.

PreventionGenetics, part of Exact Sciences
Classification: Uncertain significance for CC2D2A-related condition. Last evaluated: 2023-02-06. Review status: criteria provided, single submitter. Criteria: ACMG Guidelines, 2015. Collection method: clinical testing. Allele origin: germline.
Comment: The CC2D2A c.2476G>A variant is predicted to result in the amino acid substitution p.Gly826Arg. To our knowledge, this variant has not been reported in the literature. This variant is reported in 0.084% of alleles in individuals of European (Finnish) descent in gnomAD. Although we suspect that this variant may be benign, at this time, the clinical significance of this variant is uncertain due to the absence of conclusive functional and genetic evidence.

NM_001378615.1(CC2D2A):c.2476G>A (p.Gly826Arg)

Genes: CC2D2A (coiled-coil and C2 domain containing 2A; plus strand), FBXL5 (F-box and leucine rich repeat protein 5; minus strand). Cytogenetic location: 4p15.32.
Variant type: single nucleotide variant.
Coding change: c.2476G>A on transcript NM_001378615.1 (MANE Select); coding-DNA position 2476, G replaced by A.
Protein change: p.Gly826Arg; replaces glycine 826 with arginine.
Molecular consequence: missense variant.
Genome position (GRCh38, 1-based): chr4:15,553,295, G>A. VCF-style: chr4-15553295-G-A. GRCh37 (hg19) VCF-style: chr4-15554918-G-A.
Other names: c.2476G>A, p.Gly826Arg (NM_001080522.2); c.2329G>A, p.Gly777Arg (NM_001378617.1); short protein forms G777R, G826R.
Identifiers: ClinVar variation 857160 (VCV000857160.12), dbSNP rs201946793, ClinGen allele CA2863928.